The following is an entry in ClinVar:

ClinVar aggregate classification (germline): Pathogenic/Likely pathogenic. Review status: criteria provided, multiple submitters, no conflicts (2 of 4 stars). 6 submissions from 6 submitters: Pathogenic (4); Likely pathogenic (1). 1 of the submissions does not count toward it. Last evaluated 2026-02-13.

Conditions:
Intellectual developmental disorder, autosomal recessive 78 (MRT78). Identifiers: MedGen C5830269, MONDO:0859373, OMIM 620237.
Microcephaly. Also called: Microcephaly (disease). Identifiers: MedGen C4551563, MONDO:0001149, HP:0000252.

Submissions (6):

OLLIN Analises Genomicas, OLLIN
Classification: Pathogenic for Intellectual developmental disorder, autosomal recessive 78. Last evaluated: 2026-02-13. Review status: criteria provided, single submitter. Criteria: ACMG Guidelines 2015 PMID 25741868. Collection method: clinical testing. Allele origin: germline. Observed: 1 variant allele.
Comment: PVS1, PM2_P, PM3

Revvity Omics, Revvity
Classification: Likely pathogenic. Last evaluated: 2025-01-07. Review status: criteria provided, single submitter. Criteria: ACMG Guidelines, 2015. Collection method: clinical testing. Allele origin: germline.

Labcorp Genetics (formerly Invitae), Labcorp
Classification: Pathogenic. Last evaluated: 2022-07-05. Review status: criteria provided, single submitter. Criteria: Invitae Variant Classification Sherloc (09022015). Collection method: clinical testing. Allele origin: germline.
Comment: This sequence change creates a premature translational stop signal (p.Asp1011Glufs*21) in the WDR11 gene. It is expected to result in an absent or disrupted protein product. Loss-of-function variants in WDR11 are known to be pathogenic (PMID: 34413497). This variant is not present in population databases (gnomAD no frequency). This premature translational stop signal has been observed in individual(s) with WDR11-related conditions (PMID: 34413497). Algorithms developed to predict the effect of sequence changes on RNA splicing suggest that this variant may disrupt the consensus splice site. For these reasons, this variant has been classified as Pathogenic.

Center for Human Genetics and Genomic Medicine, Uniklinik Rwth Aachen
Classification: Pathogenic for Microcephaly. Review status: criteria provided, single submitter. Criteria: ACMG Guidelines, 2015. Collection method: research. Allele origin: inherited. Inheritance: Autosomal recessive inheritance. Affected: yes. Observed: 1 variant allele, 1 compound heterozygote.

Juno Genomics, Hangzhou Juno Genomics, Inc
Classification: Pathogenic for Intellectual developmental disorder, autosomal recessive 78. Review status: criteria provided, single submitter. Criteria: ACMG Guidelines, 2015. Collection method: clinical testing. Allele origin: germline.
Comment: Absent from controls (or at extremely low frequency if recessive) in Genome Aggregation Database.;Null variant in a gene where loss of function (LOF) is a known mechanism of disease.;For recessive disorders, detected in trans with a pathogenic variant.

OMIM
Classification: Pathogenic for INTELLECTUAL DEVELOPMENTAL DISORDER, AUTOSOMAL RECESSIVE 78. Last evaluated: 2023-02-08. Review status: no assertion criteria provided. Collection method: literature only. Allele origin: germline. Not counted in ClinVar's aggregate classification.

Literature cited by the submitters: PubMed 34413497 (cited by Labcorp Genetics (formerly Invitae), Labcorp and OMIM); DOI 10.1038/s41431-021-00943-5 (cited by Center for Human Genetics and Genomic Medicine, Uniklinik Rwth Aachen).

NM_018117.12(WDR11):c.3033_3036del

Gene: WDR11 (WD repeat domain 11; plus strand). Cytogenetic location: 10q26.12.
Variant type: Microsatellite.
Coding change: c.3033_3036del on transcript NM_018117.12 (MANE Select); coding-DNA positions 3033 to 3036, 4 bases deleted (CAGA; older notation c.3033_3036delCAGA).
Molecular consequence: splice acceptor variant.
Genome position (GRCh38, 1-based): chr10:120,904,651-120,904,654, CAGA deleted; deleting any 4 consecutive bases within chr10:120,904,644-120,904,654 gives the same sequence; the c. name uses the placement nearest the transcript's 3' end. VCF-style (leftmost placement, unchanged base first): chr10-120904643-TAGAC-T. GRCh37 (hg19) VCF-style: chr10-122664155-TAGAC-T.
Identifiers: ClinVar variation 1098852 (VCV001098852.8), dbSNP rs760973100, ClinGen allele CA5720202.
Genomic context (GRCh38, chr10:120,904,643, plus strand): 5'-ATTTTAAAAAGTTATGTTGGAGGAAAATGTTCTCATAATTAGAAAAACCGTTTCTCTTAC[TAGAC>T]AGACAGAGCTGTGCAGTTGCTGTTGGAAACAAGTGCAGATAACCAGCATTATTACTGTGA-3'